The following is an entry in ClinVar:

NM_006182.4(DDR2):c.103G>A (p.Gly35Ser)

Gene: DDR2 (discoidin domain receptor tyrosine kinase 2; plus strand). Cytogenetic location: 1q23.3.
Variant type: single nucleotide variant.
Coding change: c.103G>A on transcript NM_006182.4 (MANE Select); coding-DNA position 103, G replaced by A.
Protein change: p.Gly35Ser; replaces glycine 35 with serine.
Molecular consequence: missense variant.
Genome position (GRCh38, 1-based): chr1:162,753,115, G>A. VCF-style: chr1-162753115-G-A. GRCh37 (hg19) VCF-style: chr1-162722905-G-A.
Other names: c.103G>A, p.Gly35Ser (NM_001014796.3, NM_001354982.2, NM_001354983.2); short protein forms G35S.
Identifiers: ClinVar variation 2053435 (VCV002053435.4), dbSNP rs2526792639, ClinGen allele CA343404050.

ClinVar aggregate classification (germline): Uncertain significance (1 of 4 stars; one submission).

Submission:

Labcorp Genetics (formerly Invitae), Labcorp
Classification: Uncertain significance. Last evaluated: 2022-07-19. Review status: criteria provided, single submitter. Criteria: Invitae Variant Classification Sherloc (09022015). Collection method: clinical testing. Allele origin: germline.
Comment: This sequence change replaces glycine, which is neutral and non-polar, with serine, which is neutral and polar, at codon 35 of the DDR2 protein (p.Gly35Ser). This variant is not present in population databases (gnomAD no frequency). This variant has not been reported in the literature in individuals affected with DDR2-related conditions. Algorithms developed to predict the effect of missense changes on protein structure and function (SIFT, PolyPhen-2, Align-GVGD) all suggest that this variant is likely to be disruptive. In summary, the available evidence is currently insufficient to determine the role of this variant in disease. Therefore, it has been classified as a Variant of Uncertain Significance.